The following is an entry in ClinVar:

NM_001113378.2(FANCI):c.3706G>A (p.Val1236Ile)

Gene: FANCI (FA complementation group I; plus strand). Cytogenetic location: 15q26.1.
Variant type: single nucleotide variant.
Coding change: c.3706G>A on transcript NM_001113378.2 (MANE Select); coding-DNA position 3706, G replaced by A.
Protein change: p.Val1236Ile; replaces valine 1236 with isoleucine.
Molecular consequence: missense variant.
Genome position (GRCh38, 1-based): chr15:89,312,958, G>A. VCF-style: chr15-89312958-G-A. GRCh37 (hg19) VCF-style: chr15-89856189-G-A.
Other names: c.3427G>A, p.Val1143Ile (NM_001376910.1); c.3706G>A, p.Val1236Ile (NM_001376911.1); c.3526G>A, p.Val1176Ile (NM_018193.3); short protein forms V1236I, V1176I, V1143I.
Identifiers: ClinVar variation 408245 (VCV000408245.13), dbSNP rs377165815, ClinGen allele CA7723843.

ClinVar aggregate classification (germline): Uncertain significance. Review status: criteria provided, multiple submitters, no conflicts (2 of 4 stars). 5 submissions from 5 submitters: Uncertain significance (5). Last evaluated 2023-12-17.

Conditions:
Fanconi anemia (FA). Also called: Fanconi's anemia. Identifiers: Orphanet 84, MedGen C0015625, MeSH D005199, MONDO:0019391.
Fanconi anemia complementation group A (FANCA). Also called: FANCA-Related Fanconi Anemia; Fanconi anemia, group A. Identifiers: Orphanet 84, MedGen C3469521, MONDO:0009215, OMIM 227650.
Fanconi anemia complementation group I (FANCI). Also called: FANCI-Related Fanconi Anemia. Identifiers: Orphanet 84, MedGen C1836861, MONDO:0012186, OMIM 609053.

Allele frequency attached by ClinVar (database versions not stated): gnomAD 0.00007 and 0.00009; ESP Exome Variant Server 0.00008; TOPMed 0.00009; gnomAD exomes 0.00012; ExAC 0.00015; 1000 Genomes Project 30x 0.00016; 1000 Genomes Project 0.00020.
gnomAD v4.1: 244 of 1,613,888 alleles (0.015%); highest among the groups gnomAD compares: East Asian, 0.045%; no homozygotes.

Submissions (5):

GeneDx
Classification: Uncertain significance. Last evaluated: 2023-12-17. Review status: criteria provided, single submitter. Criteria: GeneDx Variant Classification Process June 2021. Collection method: clinical testing. Allele origin: germline. Affected: yes.
Comment: In silico analysis supports that this missense variant does not alter protein structure/function; Identified in a cohort of individuals with multiple myeloma without additional details (PMID: 28404951); This variant is associated with the following publications: (PMID: 28404951)

Labcorp Genetics (formerly Invitae), Labcorp
Classification: Uncertain significance for Fanconi anemia. Last evaluated: 2022-10-05. Review status: criteria provided, single submitter. Criteria: Invitae Variant Classification Sherloc (09022015). Collection method: clinical testing. Allele origin: germline.
Comment: This sequence change replaces valine, which is neutral and non-polar, with isoleucine, which is neutral and non-polar, at codon 1236 of the FANCI protein (p.Val1236Ile). This variant is present in population databases (rs377165815, gnomAD 0.05%). This variant has not been reported in the literature in individuals affected with FANCI-related conditions. ClinVar contains an entry for this variant (Variation ID: 408245). Algorithms developed to predict the effect of missense changes on protein structure and function output the following: SIFT: "Tolerated"; PolyPhen-2: "Benign"; Align-GVGD: "Class C0". The isoleucine amino acid residue is found in multiple mammalian species, which suggests that this missense change does not adversely affect protein function. In summary, the available evidence is currently insufficient to determine the role of this variant in disease. Therefore, it has been classified as a Variant of Uncertain Significance.

Fulgent Genetics
Classification: Uncertain significance for Fanconi anemia complementation group I. Last evaluated: 2022-05-04. Review status: criteria provided, single submitter. Criteria: ACMG Guidelines, 2015. Collection method: clinical testing. Allele origin: unknown.

Mendelics
Classification: Uncertain significance for Fanconi anemia complementation group A. Last evaluated: 2019-05-28. Review status: criteria provided, single submitter. Criteria: Mendelics Assertion Criteria 2017. Collection method: clinical testing. Allele origin: unknown.

Genetic Services Laboratory, University of Chicago
Classification: Uncertain significance. Last evaluated: 2018-11-21. Review status: criteria provided, single submitter. Criteria: ACMG Guidelines, 2015. Collection method: clinical testing. Allele origin: germline. Affected: no.